The following is an entry in ClinVar:

ClinVar aggregate classification (germline): Conflicting classifications of pathogenicity. Review status: criteria provided, conflicting classifications (1 of 4 stars). 2 submissions from 2 submitters: Uncertain significance (1); Likely benign (1). Last evaluated 2025-07-15.

Conditions:
Kleefstra syndrome 1 (KLEFS1). Identifiers: Orphanet 261494, MedGen C0795833, MONDO:0027407, OMIM 610253.

Allele frequency attached by ClinVar (database versions not stated): ExAC 0.00001; gnomAD exomes 0.00001.
gnomAD v4.1: 6 of 1,612,740 alleles (0.00037%); highest among the groups gnomAD compares: Admixed American, 0.0017%; no homozygotes.

Submissions (2):

Labcorp Genetics (formerly Invitae), Labcorp
Classification: Likely benign for Kleefstra syndrome 1. Last evaluated: 2025-07-15. Review status: criteria provided, single submitter. Criteria: Invitae Variant Classification Sherloc (09022015). Collection method: clinical testing. Allele origin: germline.

GeneDx
Classification: Uncertain significance. Last evaluated: 2021-04-20. Review status: criteria provided, single submitter. Criteria: GeneDx Variant Classification Process June 2021. Collection method: clinical testing. Allele origin: germline. Affected: yes.
Comment: Has not been previously published as pathogenic or benign to our knowledge; Not observed at a significant frequency in large population cohorts (Lek et al., 2016); In silico analysis supports that this missense variant does not alter protein structure/function

NM_024757.5(EHMT1):c.200C>G (p.Ala67Gly)

Gene: EHMT1 (euchromatic histone lysine methyltransferase 1; plus strand). Cytogenetic location: 9q34.3.
Variant type: single nucleotide variant.
Coding change: c.200C>G on transcript NM_024757.5 (MANE Select); coding-DNA position 200, C replaced by G.
Protein change: p.Ala67Gly; replaces alanine 67 with glycine.
Molecular consequence: missense variant.
Genome position (GRCh38, 1-based): chr9:137,716,740, C>G. VCF-style: chr9-137716740-C-G. GRCh37 (hg19) VCF-style: chr9-140611192-C-G.
Other names: c.200C>G, p.Ala67Gly (NM_001145527.2, NM_001354263.2, NM_001354611.2); c.107C>G, p.Ala36Gly (NM_001354259.2, NM_001354612.2); short protein forms A36G, A67G.
Identifiers: ClinVar variation 1314614 (VCV001314614.4), dbSNP rs757531969, ClinGen allele CA5374214.